The following is an entry in ClinVar:

NM_032444.4(SLX4):c.1456C>T (p.Arg486Cys)

Gene: SLX4 (SLX4 structure-specific endonuclease subunit; minus strand). Cytogenetic location: 16p13.3.
Variant type: single nucleotide variant.
Coding change: c.1456C>T on transcript NM_032444.4 (MANE Select); coding-DNA position 1456, C replaced by T.
Protein change: p.Arg486Cys; replaces arginine 486 with cysteine.
Molecular consequence: missense variant.
Genome position (GRCh38, 1-based): chr16:3,597,606, G>A on the plus strand (C>T on the coding strand, the complement: SLX4 is on the minus strand). VCF-style: chr16-3597606-G-A. GRCh37 (hg19) VCF-style: chr16-3647607-G-A.
Other names: short protein forms R486C.
Identifiers: ClinVar variation 1005030 (VCV001005030.8), dbSNP rs1483311055, ClinGen allele CA394529029.
Genomic context (GRCh38, chr16:3,597,606, plus strand): 5'-TGGCAGGAAGTGGTGGCGTGCTAGACAATTCCACTTCCTCAGAGAGGAGCAGGGCCACAC[G>A]GTCCTCTATCTGTCGGCCTGTGGTTTCAGAGTCCTGGACTAACAACAATGGGGGGGATAC-3'
Protein context (NP_115820.2, residues 476-496): SETTGRQIED[Arg486Cys]VALLLSEEVE

ClinVar aggregate classification (germline): Uncertain significance (1 of 4 stars; one submission).

Conditions:
Fanconi anemia (FA). Also called: Fanconi's anemia. Identifiers: Orphanet 84, MedGen C0015625, MeSH D005199, MONDO:0019391.

Allele frequency attached by ClinVar (database versions not stated): gnomAD exomes 0.00001.

Submission:

Labcorp Genetics (formerly Invitae), Labcorp
Classification: Uncertain significance for Fanconi anemia. Last evaluated: 2020-05-27. Review status: criteria provided, single submitter. Criteria: Invitae Variant Classification Sherloc (09022015). Collection method: clinical testing. Allele origin: germline.
Comment: In summary, the available evidence is currently insufficient to determine the role of this variant in disease. Therefore, it has been classified as a Variant of Uncertain Significance. This sequence change replaces arginine with cysteine at codon 486 of the SLX4 protein (p.Arg486Cys). The arginine residue is highly conserved and there is a large physicochemical difference between arginine and cysteine. This variant is not present in population databases (ExAC no frequency). This variant has not been reported in the literature in individuals with SLX4-related conditions. Algorithms developed to predict the effect of missense changes on protein structure and function are either unavailable or do not agree on the potential impact of this missense change (SIFT: "Deleterious"; PolyPhen-2: "Probably Damaging"; Align-GVGD: "Class C0").